The following is an entry in ClinVar:

NM_001148.6(ANK2):c.341A>G (p.Lys114Arg)

Gene: ANK2 (ankyrin 2; plus strand). Cytogenetic location: 4q25.
Variant type: single nucleotide variant.
Coding change: c.341A>G on transcript NM_001148.6 (MANE Select); coding-DNA position 341, A replaced by G.
Protein change: p.Lys114Arg; replaces lysine 114 with arginine.
Molecular consequence: missense variant.
Genome position (GRCh38, 1-based): chr4:113,199,066, A>G. VCF-style: chr4-113199066-A-G. GRCh37 (hg19) VCF-style: chr4-114120222-A-G.
Other names: c.278A>G, p.Lys93Arg (NM_001127493.3, NM_001354239.2, NM_001354255.2 and 33 more transcripts); c.341A>G, p.Lys114Arg (NM_001354225.2, NM_001354228.2, NM_001354232.2 and 9 more transcripts); c.386A>G, p.Lys129Arg (NM_001354230.2, NM_001354231.2, NM_001354237.2 and 5 more transcripts); c.323A>G, p.Lys108Arg (NM_001354261.2, NM_001386147.1, NM_001386160.1); c.329A>G, p.Lys110Arg (NM_001386148.2, NM_001386186.2, NM_001386187.2 and 1 more transcripts); c.392A>G, p.Lys131Arg (NM_001386174.1, NM_001386175.1); short protein forms K114R, K93R, K108R, K110R, K129R, K131R.
Identifiers: ClinVar variation 526938 (VCV000526938.5), dbSNP rs1554262276, ClinGen allele CA357993713.

ClinVar aggregate classification (germline): Uncertain significance (1 of 4 stars; one submission).

Conditions:
Long QT syndrome (LQTS). Identifiers: MedGen C0023976, MeSH D008133, MONDO:0002442. Disease mechanism: loss of function. Inheritance: Various modes of inheritance.

Allele frequency attached by ClinVar (database versions not stated): gnomAD exomes below 0.00001.
gnomAD v4.1: 5 of 1,613,508 alleles (0.00031%); highest among the groups gnomAD compares: Non-Finnish European, 0.00042%; no homozygotes.

Submission:

Labcorp Genetics (formerly Invitae), Labcorp
Classification: Uncertain significance for Long QT syndrome. Last evaluated: 2023-12-18. Review status: criteria provided, single submitter. Criteria: Invitae Variant Classification Sherloc (09022015). Collection method: clinical testing. Allele origin: germline.
Comment: This sequence change replaces lysine, which is basic and polar, with arginine, which is basic and polar, at codon 114 of the ANK2 protein (p.Lys114Arg). This variant is not present in population databases (gnomAD no frequency). This variant has not been reported in the literature in individuals affected with ANK2-related conditions. ClinVar contains an entry for this variant (Variation ID: 526938). Advanced modeling of protein sequence and biophysical properties (such as structural, functional, and spatial information, amino acid conservation, physicochemical variation, residue mobility, and thermodynamic stability) has been performed at Invitae for this missense variant, however the output from this modeling did not meet the statistical confidence thresholds required to predict the impact of this variant on ANK2 protein function. In summary, the available evidence is currently insufficient to determine the role of this variant in disease. Therefore, it has been classified as a Variant of Uncertain Significance.